The following is an entry in ClinVar:

NM_000075.4(CDK4):c.*5T>C

Genes: CDK4 (cyclin dependent kinase 4; minus strand), TSPAN31 (tetraspanin 31; plus strand). Cytogenetic location: 12q14.1.
Variant type: single nucleotide variant.
Coding change: c.*5T>C on transcript NM_000075.4 (MANE Select); 5 bases downstream of the stop codon, T replaced by C.
Molecular consequence: 3 prime UTR variant.
Genome position (GRCh38, 1-based): chr12:57,748,520, A>G on the plus strand (T>C on the coding strand, the complement: CDK4 is on the minus strand). VCF-style: chr12-57748520-A-G. GRCh37 (hg19) VCF-style: chr12-58142303-A-G.
Other names: c.*1230A>G (NM_001330168.2, NM_001330169.2, NM_005981.5).
Identifiers: ClinVar variation 188065 (VCV000188065.6), dbSNP rs786204045, ClinGen allele CA333956.

ClinVar aggregate classification (germline): Uncertain significance (1 of 4 stars; one submission).

Conditions:
Familial melanoma. Also called: Hereditary melanoma; Hereditary cutaneous melanoma. Identifiers: Orphanet 618, MedGen C1512419, MONDO:0018961.

Submission:

Labcorp Genetics (formerly Invitae), Labcorp
Classification: Uncertain significance for Familial melanoma. Last evaluated: 2025-01-06. Review status: criteria provided, single submitter. Criteria: Invitae Variant Classification Sherloc (09022015). Collection method: clinical testing. Allele origin: germline.
Comment: This variant occurs in a non-coding region of the CDK4 gene. It does not change the encoded amino acid sequence of the CDK4 protein. This variant is not present in population databases (gnomAD no frequency). This variant has not been reported in the literature in individuals affected with CDK4-related conditions. ClinVar contains an entry for this variant (Variation ID: 188065). In summary, the available evidence is currently insufficient to determine the role of this variant in disease. Therefore, it has been classified as a Variant of Uncertain Significance.